The following is an entry in ClinVar:

ClinVar aggregate classification (germline): Uncertain significance. Review status: criteria provided, multiple submitters, no conflicts (2 of 4 stars). 3 submissions from 3 submitters: Uncertain significance (2). 1 of the submissions does not count toward it. Last evaluated 2025-10-10.

Conditions:
Galactosylceramide beta-galactosidase deficiency. Also called: Leukodystrophy, Globoid Cell; Krabbe Disease; GALACTOCEREBROSIDASE DEFICIENCY; GALC DEFICIENCY; GLOBOID CELL LEUKOENCEPHALOPATHY. Identifiers: Orphanet 487, MedGen C0023521, MONDO:0009499, OMIM 245200.
Inborn genetic diseases. Identifiers: MedGen C0950123, MeSH D030342.

Allele frequency attached by ClinVar (database versions not stated): gnomAD 0.00001; TOPMed 0.00001; ExAC 0.00002.
gnomAD v4.1: 11 of 1,612,868 alleles (0.00068%); highest among the groups gnomAD compares: Admixed American, 0.013%; no homozygotes.

Submissions (3):

Labcorp Genetics (formerly Invitae), Labcorp
Classification: Uncertain significance for Galactosylceramide beta-galactosidase deficiency. Last evaluated: 2025-10-10. Review status: criteria provided, single submitter. Criteria: Invitae Variant Classification Sherloc (09022015). Collection method: clinical testing. Allele origin: germline.
Comment: This sequence change replaces proline, which is neutral and non-polar, with serine, which is neutral and polar, at codon 481 of the GALC protein (p.Pro481Ser). This variant is present in population databases (rs759122249, gnomAD 0.01%). This variant has not been reported in the literature in individuals affected with GALC-related conditions. ClinVar contains an entry for this variant (Variation ID: 972103). Invitae Evidence Modeling of protein sequence and biophysical properties (such as structural, functional, and spatial information, amino acid conservation, physicochemical variation, residue mobility, and thermodynamic stability) indicates that this missense variant is expected to disrupt GALC protein function with a positive predictive value of 95%. In summary, the available evidence is currently insufficient to determine the role of this variant in disease. Therefore, it has been classified as a Variant of Uncertain Significance.

Ambry Genetics
Classification: Uncertain significance for Inborn genetic diseases. Last evaluated: 2025-07-01. Review status: criteria provided, single submitter. Criteria: Ambry Variant Classification Scheme 2023. Collection method: clinical testing. Allele origin: germline.

Natera, Inc.
Classification: Uncertain significance for Galactosylceramide beta-galactosidase deficiency. Last evaluated: 2020-10-28. Review status: no assertion criteria provided. Collection method: clinical testing. Allele origin: germline. Not counted in ClinVar's aggregate classification.

NM_000153.4(GALC):c.1441C>T (p.Pro481Ser)

Gene: GALC (galactosylceramidase; minus strand). Cytogenetic location: 14q31.3.
Variant type: single nucleotide variant.
Coding change: c.1441C>T on transcript NM_000153.4 (MANE Select); coding-DNA position 1441, C replaced by T.
Protein change: p.Pro481Ser; replaces proline 481 with serine.
Molecular consequence: missense variant.
Genome position (GRCh38, 1-based): chr14:87,947,776, G>A on the plus strand (C>T on the coding strand, the complement: GALC is on the minus strand). VCF-style: chr14-87947776-G-A. GRCh37 (hg19) VCF-style: chr14-88414120-G-A.
Other names: c.1372C>T, p.Pro458Ser (NM_001201401.2); c.1363C>T, p.Pro455Ser (NM_001201402.2); short protein forms P455S, P458S, P481S.
Identifiers: ClinVar variation 972103 (VCV000972103.11), dbSNP rs759122249, ClinGen allele CA7297014.
Genomic context (GRCh38, chr14:87,947,776, plus strand): 5'-AAAAATACTCACCAACATTGAAATCATCCTTATAGGTACTTGGGAAGGGCTGGGATTTTG[G>A]AGGAAGCGGGTAGCTGCCTTTGCGACCAGTGGTGAGAGTGGTGAGTGTGAACAGCTCATC-3'
Protein context (NP_000144.2, residues 471-491): TGRKGSYPLP[Pro481Ser]KSQPFPSTYK